The following is an entry in ClinVar:

NM_033163.5(FGF8):c.170C>T (p.Ser57Phe)

Gene: FGF8 (fibroblast growth factor 8; minus strand). Cytogenetic location: 10q24.32.
Variant type: single nucleotide variant.
Coding change: c.170C>T on transcript NM_033163.5 (MANE Select); coding-DNA position 170, C replaced by T.
Protein change: p.Ser57Phe; replaces serine 57 with phenylalanine.
Molecular consequence: missense variant. On other transcripts: intron variant (3).
Genome position (GRCh38, 1-based): chr10:101,774,899, G>A on the plus strand (C>T on the coding strand, the complement: FGF8 is on the minus strand). VCF-style: chr10-101774899-G-A. GRCh37 (hg19) VCF-style: chr10-103534656-G-A.
Other names: c.83C>T, p.Ser28Phe (NM_006119.6); c.-123-20C>T (NM_001206389.2); c.70-20C>T (NM_033165.5); c.157-20C>T (NM_033164.4); short protein forms S28F, S57F.
Identifiers: ClinVar variation 4991400 (VCV004991400.1).

ClinVar aggregate classification (germline): Uncertain significance (1 of 4 stars; one submission).

Conditions:
FGF8-related disorder. Also called: FGF8-related condition.

Submission:

PreventionGenetics, part of Exact Sciences
Classification: Uncertain significance for FGF8-related condition. Last evaluated: 2026-02-16. Review status: criteria provided, single submitter. Criteria: ACMG Guidelines, 2015. Collection method: clinical testing. Allele origin: germline.
Comment: The FGF8 c.170C>T variant is predicted to result in the amino acid substitution p.Ser57Phe. To our knowledge, this variant has not been reported in the literature or in a large population database (gnomAD), indicating this variant is rare. At this time, the clinical significance of this variant is uncertain due to the absence of conclusive functional and genetic evidence.